The following is an entry in ClinVar:

ClinVar aggregate classification (germline): Uncertain significance (1 of 4 stars; one submission).

Conditions:
Cardiomyopathy (CMYO). Also called: Cardiomyopathies. Identifiers: Orphanet 167848, MedGen C0878544, MONDO:0004994, HP:0001638. Inheritance: Various modes of inheritance.

Allele frequency attached by ClinVar (database versions not stated): ExAC 0.00001; gnomAD 0.00001; TOPMed 0.00001.

Submission:

Color Diagnostics, LLC DBA Color Health
Classification: Uncertain significance for Cardiomyopathy. Last evaluated: 2024-03-07. Review status: criteria provided, single submitter. Criteria: ACMG Guidelines, 2015. Collection method: clinical testing. Allele origin: germline.
Comment: This missense variant replaces alanine with valine at codon 748 of the DSG2 protein. Computational prediction suggests that this variant may not impact protein structure and function (internally defined REVEL score threshold <= 0.5, PMID: 27666373). Splice site prediction tools suggest that this variant may impact RNA splicing. To our knowledge, functional studies have not been reported for this variant. This variant has not been reported in individuals affected with cardiovascular disorders in the literature. This variant has been identified in 2/249188 chromosomes in the general population by the Genome Aggregation Database (gnomAD). The available evidence is insufficient to determine the role of this variant in disease conclusively. Therefore, this variant is classified as a Variant of Uncertain Significance.

NM_001943.5(DSG2):c.2243C>T (p.Ala748Val)

Genes: DSG2 (desmoglein 2; plus strand), DSG2-AS1 (DSG2 antisense RNA 1; minus strand). Cytogenetic location: 18q12.1.
Variant type: single nucleotide variant.
Coding change: c.2243C>T on transcript NM_001943.5 (MANE Select); coding-DNA position 2243, C replaced by T.
Protein change: p.Ala748Val; replaces alanine 748 with valine.
Molecular consequence: missense variant.
Genome position (GRCh38, 1-based): chr18:31,542,761, C>T. VCF-style: chr18-31542761-C-T. GRCh37 (hg19) VCF-style: chr18-29122724-C-T.
Other names: short protein forms A748V.
Identifiers: ClinVar variation 2775235 (VCV002775235.2), dbSNP rs751334179, ClinGen allele CA045338.